The following is an entry in ClinVar:

ClinVar aggregate classification (germline): Uncertain significance. Review status: criteria provided, multiple submitters, no conflicts (2 of 4 stars). 2 submissions from 2 submitters: Uncertain significance (2). Last evaluated 2023-06-21.

Conditions:
Exostoses, multiple, type 2 (EXT2). Also called: EXOSTOSES, MULTIPLE, TYPE II; Hereditary Multiple Osteochondromatosis, Type II. Identifiers: Orphanet 321, MedGen C1851413, MONDO:0007586, OMIM 133701.

Allele frequency attached by ClinVar (database versions not stated): gnomAD exomes 0.00001.
gnomAD v4.1: 8 of 1,614,198 alleles (0.0005%); highest among the groups gnomAD compares: Non-Finnish European, 0.00068%; no homozygotes.

Submissions (2):

Baylor Genetics
Classification: Uncertain significance for Exostoses, multiple, type 2. Last evaluated: 2023-06-21. Review status: criteria provided, single submitter. Criteria: ACMG Guidelines, 2015. Collection method: clinical testing. Allele origin: unknown.

Labcorp Genetics (formerly Invitae), Labcorp
Classification: Uncertain significance for Exostoses, multiple, type 2. Last evaluated: 2022-05-13. Review status: criteria provided, single submitter. Criteria: Invitae Variant Classification Sherloc (09022015). Collection method: clinical testing. Allele origin: germline.
Comment: In summary, the available evidence is currently insufficient to determine the role of this variant in disease. Therefore, it has been classified as a Variant of Uncertain Significance. Algorithms developed to predict the effect of missense changes on protein structure and function (SIFT, PolyPhen-2, Align-GVGD) all suggest that this variant is likely to be tolerated. This variant has not been reported in the literature in individuals affected with EXT2-related conditions. This variant is not present in population databases (gnomAD no frequency). This sequence change replaces glutamic acid, which is acidic and polar, with glycine, which is neutral and non-polar, at codon 79 of the EXT2 protein (p.Glu79Gly).

NM_207122.2(EXT2):c.236A>G (p.Glu79Gly)

Gene: EXT2 (exostosin glycosyltransferase 2; plus strand). Cytogenetic location: 11p11.2.
Variant type: single nucleotide variant.
Coding change: c.236A>G on transcript NM_207122.2 (MANE Select); coding-DNA position 236, A replaced by G.
Protein change: p.Glu79Gly; replaces glutamic acid 79 with glycine.
Molecular consequence: missense variant.
Genome position (GRCh38, 1-based): chr11:44,107,948, A>G. VCF-style: chr11-44107948-A-G. GRCh37 (hg19) VCF-style: chr11-44129498-A-G.
Other names: c.335A>G, p.Glu112Gly (NM_000401.3); c.236A>G, p.Glu79Gly (NM_001178083.3, NM_001389628.1, NM_001389630.1); short protein forms E112G, E79G.
Identifiers: ClinVar variation 2073963 (VCV002073963.5), dbSNP rs1954081996, ClinGen allele CA380179909.